The following is an entry in ClinVar:

NM_003108.4(SOX11):c.1032_1044del (p.Ser345fs)

Gene: SOX11 (SRY-box transcription factor 11; plus strand). Cytogenetic location: 2p25.2.
Variant type: Deletion.
Coding change: c.1032_1044del on transcript NM_003108.4 (MANE Select); coding-DNA positions 1032 to 1044, 13 bases deleted (CAGCAGCAGCGGC).
Protein change: p.Ser345fs; shifts the reading frame from serine 345.
Molecular consequence: frameshift variant.
Genome position (GRCh38, 1-based): chr2:5,693,753-5,693,765, CAGCAGCAGCGGC deleted; deleting any 13 consecutive bases within chr2:5,693,752-5,693,765 gives the same sequence; the c. name uses the placement nearest the transcript's 3' end. VCF-style (leftmost placement, unchanged base first): chr2-5693751-TCCAGCAGCAGCGG-T. GRCh37 (hg19) VCF-style: chr2-5833883-TCCAGCAGCAGCGG-T.
Other names: short protein forms S345fs.
Identifiers: ClinVar variation 3251953 (VCV003251953.1), dbSNP rs2465088616.

ClinVar aggregate classification (germline): Pathogenic (1 of 4 stars; one submission).

Conditions:
Hypogonadotropic hypogonadism. Also called: Hypogonadotrophic hypogonadism; Isolated hypogonadotropic hypogonadism; Hypogonadotropic hypogonadism with or without anosmia; Low gonadotropins (secondary hypogonadism). Identifiers: Orphanet 432, MedGen C0271623, MONDO:0018555, HP:0000044.

Submission:

Reproductive Endocrine Unit, Massachusetts General Hospital
Classification: Pathogenic for HYPOGONADOTROPIC HYPOGONADISM. Last evaluated: 2024-06-25. Review status: criteria provided, single submitter. Criteria: ACMG Guidelines, 2015. Collection method: research. Allele origin: unknown. Affected: yes.
Comment: PVS1,PS4,PM2,PM4